The following is an entry in ClinVar:

NM_198576.4(AGRN):c.5574G>T (p.Glu1858Asp)

Gene: AGRN (agrin; plus strand). Cytogenetic location: 1p36.33.
Variant type: single nucleotide variant.
Coding change: c.5574G>T on transcript NM_198576.4 (MANE Select); coding-DNA position 5574, G replaced by T.
Protein change: p.Glu1858Asp; replaces glutamic acid 1858 with aspartic acid.
Molecular consequence: missense variant.
Genome position (GRCh38, 1-based): chr1:1,051,738, G>T. VCF-style: chr1-1051738-G-T. GRCh37 (hg19) VCF-style: chr1-987118-G-T.
Other names: c.5586G>T, p.Glu1862Asp (NM_001305275.2); c.5271G>T, p.Glu1757Asp (NM_001364727.2); short protein forms E1862D, E1757D, E1858D.
Identifiers: ClinVar variation 1464447 (VCV001464447.6), dbSNP rs1645298543, ClinGen allele CA337782497.

ClinVar aggregate classification (germline): Uncertain significance (1 of 4 stars; one submission).

Conditions:
Congenital myasthenic syndrome 8. Also called: MYASTHENIC SYNDROME, CONGENITAL, DUE TO AGRIN DEFICIENCY; Myasthenic syndrome, congenital, 8, with pre- and postsynaptic defects. Identifiers: Orphanet 590, MedGen C3808739, MONDO:0014052, OMIM 615120.

Allele frequency attached by ClinVar (database versions not stated): gnomAD exomes below 0.00001; TOPMed 0.00001.
gnomAD v4.1: 1 of 1,613,864 alleles (0.000062%); highest among the groups gnomAD compares: Admixed American, 0.0017%; no homozygotes.

Submission:

Labcorp Genetics (formerly Invitae), Labcorp
Classification: Uncertain significance for Congenital myasthenic syndrome 8. Last evaluated: 2021-09-29. Review status: criteria provided, single submitter. Criteria: Invitae Variant Classification Sherloc (09022015). Collection method: clinical testing. Allele origin: germline.
Comment: Algorithms developed to predict the effect of missense changes on protein structure and function are either unavailable or do not agree on the potential impact of this missense change (SIFT: "Deleterious"; PolyPhen-2: "Benign"; Align-GVGD: "Class C0"). This variant has not been reported in the literature in individuals affected with AGRN-related conditions. This variant is not present in population databases (ExAC no frequency). This sequence change replaces glutamic acid with aspartic acid at codon 1858 of the AGRN protein (p.Glu1858Asp). The glutamic acid residue is highly conserved and there is a small physicochemical difference between glutamic acid and aspartic acid. In summary, the available evidence is currently insufficient to determine the role of this variant in disease. Therefore, it has been classified as a Variant of Uncertain Significance.